The following is an entry in ClinVar:

NM_013322.3(SNX10):c.482AAG[1] (p.Glu162del)

Gene: SNX10 (sorting nexin 10; plus strand). Cytogenetic location: 7p15.2.
Variant type: Microsatellite.
Coding change: c.482AAG[1] on transcript NM_013322.3 (MANE Select); one copy of the 3-base unit AAG starting at c.482; the reference has two copies in a row; one copy, 3 bases deleted.
Protein change: p.Glu162del; deletes glutamic acid 162.
Molecular consequence: inframe deletion.
Genome position (GRCh38, 1-based): chr7:26,371,994-26,371,996, AAG deleted; deleting any 3 consecutive bases within chr7:26,371,990-26,371,996 gives the same sequence; the position shown is the placement nearest the transcript's 3' end. VCF-style (leftmost placement, unchanged base first): chr7-26371989-TGAA-T. GRCh37 (hg19) VCF-style: chr7-26411609-TGAA-T.
Other names: c.482AAG[1], p.Glu162del (NM_001199835.1, NM_001318199.3); c.473AAG[1], p.Glu159del (NM_001199837.3); c.230AAG[1], p.Glu78del (NM_001199838.2); c.560AAG[1], p.Glu188del (NM_001318198.1, NM_001362753.1, NM_001362754.1); short protein forms E162del, E78del, E159del, E188del.
Identifiers: ClinVar variation 2110070 (VCV002110070.4), dbSNP rs2536170813, ClinGen allele CA2580615867.
Genomic context (GRCh38, chr7:26,371,989, plus strand): 5'-CTCTGTGGAAGAAGCAATTCACAAGTTTGCCTTAATGAATAGACGTTTCCCTGAAGAAGA[TGAA>T]GAAGGAAAAAAAGAAAATGATATAGATTATGATTCAGAAAGGTATTTCCTTGCATTTTGA-3'

ClinVar aggregate classification (germline): Uncertain significance (1 of 4 stars; one submission).

Submission:

Labcorp Genetics (formerly Invitae), Labcorp
Classification: Uncertain significance. Last evaluated: 2022-03-12. Review status: criteria provided, single submitter. Criteria: Invitae Variant Classification Sherloc (09022015). Collection method: clinical testing. Allele origin: germline.
Comment: This variant has not been reported in the literature in individuals affected with SNX10-related conditions. Experimental studies and prediction algorithms are not available or were not evaluated, and the functional significance of this variant is currently unknown. In summary, the available evidence is currently insufficient to determine the role of this variant in disease. Therefore, it has been classified as a Variant of Uncertain Significance. This variant, c.485_487del, results in the deletion of 1 amino acid(s) of the SNX10 protein (p.Glu162del), but otherwise preserves the integrity of the reading frame. This variant is not present in population databases (gnomAD no frequency).